The following is an entry in ClinVar:

ClinVar aggregate classification (germline): Likely benign (1 of 4 stars; one submission).

Allele frequency attached by ClinVar (database versions not stated): gnomAD exomes 0.00078; gnomAD 0.00793 and 0.00848; TOPMed 0.00874; 1000 Genomes Project 0.00879; 1000 Genomes Project 30x 0.00890.
gnomAD v4.1: 1,859 of 956,166 alleles (0.19%); highest among the groups gnomAD compares: African/African-American, 2.7%; 25 homozygotes.

Submission:

GeneDx
Classification: Likely benign. Last evaluated: 2018-06-14. Review status: criteria provided, single submitter. Criteria: GeneDx Variant Classification (06012015). Collection method: clinical testing. Allele origin: germline. Affected: yes.
Comment: This variant is considered likely benign or benign based on one or more of the following criteria: it is a conservative change, it occurs at a poorly conserved position in the protein, it is predicted to be benign by multiple in silico algorithms, and/or has population frequency not consistent with disease.

NM_001042492.3(NF1):c.731-114A>G

Gene: NF1 (neurofibromin 1; plus strand). Cytogenetic location: 17q11.2.
Variant type: single nucleotide variant.
Coding change: c.731-114A>G on transcript NM_001042492.3 (MANE Select); 114 bases into the intron before coding-DNA position 731, A replaced by G.
Molecular consequence: intron variant.
Genome position (GRCh38, 1-based): chr17:31,182,394, A>G. VCF-style: chr17-31182394-A-G. GRCh37 (hg19) VCF-style: chr17-29509412-A-G.
Other names: c.731-114A>G (NM_001128147.3, NM_000267.4).
Identifiers: ClinVar variation 561514 (VCV000561514.1), dbSNP rs17879717, ClinGen allele CA289335024.
Genomic context (GRCh38, chr17:31,182,394, plus strand): 5'-GTATTACATTGCTTGTCTACTTACCAGAATGCATTTGTGTAGTTGCTTAAATGAAGTTCC[A>G]TGTTTATCTTTTAAAAATGTTGCCCTTGGGTTTTTACATAGTGTCAGCTTTTACTTTAAT-3'